The following is an entry in ClinVar:

NM_000553.6(WRN):c.4143C>G (p.Ile1381Met)

Gene: WRN (WRN RecQ like helicase; plus strand). Cytogenetic location: 8p12.
Variant type: single nucleotide variant.
Coding change: c.4143C>G on transcript NM_000553.6 (MANE Select); coding-DNA position 4143, C replaced by G.
Protein change: p.Ile1381Met; replaces isoleucine 1381 with methionine.
Molecular consequence: missense variant.
Genome position (GRCh38, 1-based): chr8:31,167,182, C>G. VCF-style: chr8-31167182-C-G. GRCh37 (hg19) VCF-style: chr8-31024698-C-G.
Other names: short protein forms I1381M.
Identifiers: ClinVar variation 3018401 (VCV003018401.3), dbSNP rs1203710521, ClinGen allele CA370909852.

ClinVar aggregate classification (germline): Uncertain significance (1 of 4 stars; one submission).

Conditions:
Werner syndrome (WRN). Identifiers: Orphanet 902, MedGen C0043119, MONDO:0010196, OMIM 277700.

Submission:

Labcorp Genetics (formerly Invitae), Labcorp
Classification: Uncertain significance for Werner syndrome. Last evaluated: 2022-12-29. Review status: criteria provided, single submitter. Criteria: Invitae Variant Classification Sherloc (09022015). Collection method: clinical testing. Allele origin: germline.
Comment: In summary, the available evidence is currently insufficient to determine the role of this variant in disease. Therefore, it has been classified as a Variant of Uncertain Significance. Algorithms developed to predict the effect of missense changes on protein structure and function are either unavailable or do not agree on the potential impact of this missense change (SIFT: "Not Available"; PolyPhen-2: "Benign"; Align-GVGD: "Not Available"). This variant has not been reported in the literature in individuals affected with WRN-related conditions. This variant is not present in population databases (gnomAD no frequency). This sequence change replaces isoleucine, which is neutral and non-polar, with methionine, which is neutral and non-polar, at codon 1381 of the WRN protein (p.Ile1381Met).